The following is an entry in ClinVar:

NM_015915.5(ATL1):c.742G>A (p.Glu248Lys)

Gene: ATL1 (atlastin GTPase 1; plus strand). Cytogenetic location: 14q22.1.
Variant type: single nucleotide variant.
Coding change: c.742G>A on transcript NM_015915.5 (MANE Select); coding-DNA position 742, G replaced by A.
Protein change: p.Glu248Lys; replaces glutamic acid 248 with lysine.
Molecular consequence: missense variant.
Genome position (GRCh38, 1-based): chr14:50,614,391, G>A. VCF-style: chr14-50614391-G-A. GRCh37 (hg19) VCF-style: chr14-51081109-G-A.
Other names: c.742G>A, p.Glu248Lys (NM_001127713.1, NM_181598.4); short protein forms E248K.
Identifiers: ClinVar variation 4537482 (VCV004537482.1).
Genomic context (GRCh38, chr14:50,614,391, plus strand): 5'-TTGTGATGAAAGTAGTTTAAACTTCAGAATGATTTACTGCAGGTCTCAGGGAACCAGCAT[G>A]AAGAACTACAGAACGTCAGAAAACACATCCATTCCTGTTTCACCAACATTTCCTGTTTTC-3'
Protein context (NP_056999.2, residues 238-258): KRLKVSGNQH[Glu248Lys]ELQNVRKHIH

ClinVar aggregate classification (germline): Uncertain significance (1 of 4 stars; one submission).

Conditions:
Hereditary spastic paraplegia 3A (SPG3A). Also called: SPASTIC PARAPLEGIA 3, AUTOSOMAL DOMINANT; FAMILIAL SPASTIC PARAPLEGIA, AUTOSOMAL DOMINANT, 1; SPG3; STRUMPELL DISEASE; Spastic Paraplegia 3A; Spastic paraplegia 3A, autosomal dominant. Identifiers: Orphanet 100984, MedGen C2931355, MONDO:0008437, OMIM 182600.

Submission:

Genomic Research Center, Shahid Beheshti University of Medical Sciences
Classification: Uncertain significance for Hereditary spastic paraplegia 3A. Last evaluated: 2023-09-14. Review status: criteria provided, single submitter. Criteria: ACMG Guidelines, 2015. Collection method: clinical testing. Allele origin: unknown. Affected: yes. Observed: 1 heterozygote.
Comment: This missense variant is located in a critical functional domain of the protein. It is absent in population databases. The gene is intolerant to benign missense variation, and missense changes are a known disease mechanism.

Literature cited by the submitters: DOI 10.1002/humu.23946.